The following is an entry in ClinVar:

NM_015346.4(ZFYVE26):c.5018A>C (p.His1673Pro)

Gene: ZFYVE26 (zinc finger FYVE-type containing 26; minus strand). Cytogenetic location: 14q24.1.
Variant type: single nucleotide variant.
Coding change: c.5018A>C on transcript NM_015346.4 (MANE Select); coding-DNA position 5018, A replaced by C.
Protein change: p.His1673Pro; replaces histidine 1673 with proline.
Molecular consequence: missense variant.
Genome position (GRCh38, 1-based): chr14:67,776,063, T>G on the plus strand (A>C on the coding strand, the complement: ZFYVE26 is on the minus strand). VCF-style: chr14-67776063-T-G. GRCh37 (hg19) VCF-style: chr14-68242780-T-G.
Other names: short protein forms H1673P.
Identifiers: ClinVar variation 3473628 (VCV003473628.2).
Genomic context (GRCh38, chr14:67,776,063, plus strand): 5'-CAATCCACCTTCATGTTCATAAGCAGCTGCTCCAGCATGAACAGGGGGTTAGAGGACAAG[T>G]GGGAATAGCTGGCCCGGTGCTGCTCAGGCAGGGTCAGCAGAATCTGTTTGTGGGGTAGAT-3'
Protein context (NP_056161.2, residues 1663-1683): LPEQHRASYS[His1673Pro]LSSNPLFMLE

ClinVar aggregate classification (germline): Uncertain significance. Review status: criteria provided, multiple submitters, no conflicts (2 of 4 stars). 2 submissions from 2 submitters: Uncertain significance (2). Last evaluated 2025-12-24.

Conditions:
Inborn genetic diseases. Identifiers: MedGen C0950123, MeSH D030342.
Spastic paraplegia. Identifiers: MedGen C0037772, HP:0001258.

gnomAD v4.1: 7 of 1,614,162 alleles (0.00043%); highest among the groups gnomAD compares: Admixed American, 0.012%; no homozygotes.

Submissions (2):

Labcorp Genetics (formerly Invitae), Labcorp
Classification: Uncertain significance for Spastic paraplegia. Last evaluated: 2025-12-24. Review status: criteria provided, single submitter. Criteria: Invitae Variant Classification Sherloc (09022015). Collection method: clinical testing. Allele origin: germline.
Comment: This sequence change replaces histidine, which is basic and polar, with proline, which is neutral and non-polar, at codon 1673 of the ZFYVE26 protein (p.His1673Pro). This variant is present in population databases (no rsID available, gnomAD 0.01%). This variant has not been reported in the literature in individuals affected with ZFYVE26-related conditions. ClinVar contains an entry for this variant (Variation ID: 3473628). An algorithm developed to predict the effect of missense changes on protein structure and function (PolyPhen-2) suggests that this variant is likely to be disruptive. In summary, the available evidence is currently insufficient to determine the role of this variant in disease. Therefore, it has been classified as a Variant of Uncertain Significance.

Ambry Genetics
Classification: Uncertain significance for Inborn genetic diseases. Last evaluated: 2024-11-26. Review status: criteria provided, single submitter. Criteria: Ambry Variant Classification Scheme 2023. Collection method: clinical testing. Allele origin: germline.